The following is an entry in ClinVar:

NM_001035.3(RYR2):c.13177C>G (p.Leu4393Val)

Genes: RYR2 (ryanodine receptor 2; plus strand), LOC126806068 (BRD4-independent group 4 enhancer GRCh37_chr1:237947411-237948610; plus strand). Cytogenetic location: 1q43.
Variant type: single nucleotide variant.
Coding change: c.13177C>G on transcript NM_001035.3 (MANE Select); coding-DNA position 13177, C replaced by G.
Protein change: p.Leu4393Val; replaces leucine 4393 with valine.
Molecular consequence: missense variant.
Genome position (GRCh38, 1-based): chr1:237,784,889, C>G. VCF-style: chr1-237784889-C-G. GRCh37 (hg19) VCF-style: chr1-237948189-C-G.
Other names: short protein forms L4393V.
Identifiers: ClinVar variation 3343384 (VCV003343384.1).

ClinVar aggregate classification (germline): Uncertain significance (1 of 4 stars; one submission).

Submission:

GeneDx
Classification: Uncertain significance. Last evaluated: 2023-05-12. Review status: criteria provided, single submitter. Criteria: GeneDx Variant Classification Process June 2021. Collection method: clinical testing. Allele origin: germline. Affected: yes.
Comment: Not observed at significant frequency in large population cohorts (gnomAD); In silico analysis supports that this missense variant does not alter protein structure/function; Has not been previously published as pathogenic or benign to our knowledge